The following is an entry in ClinVar:

NM_001360.3(DHCR7):c.177_178delinsT (p.Met59fs)

Gene: DHCR7 (7-dehydrocholesterol reductase; minus strand). Cytogenetic location: 11q13.4.
Variant type: Indel.
Coding change: c.177_178delinsT on transcript NM_001360.3 (MANE Select); coding-DNA positions 177 to 178, GG replaced by T.
Protein change: p.Met59fs; shifts the reading frame from methionine 59.
Molecular consequence: frameshift variant.
Genome position (GRCh38, 1-based): chr11:71,444,136-71,444,137, CC replaced by A on the plus strand (GG replaced by T on the coding strand, the reverse complement: DHCR7 is on the minus strand). VCF-style: chr11-71444136-CC-A. GRCh37 (hg19) VCF-style: chr11-71155182-CC-A.
Other names: c.177_178delinsT, p.Met59fs (NM_001163817.2); short protein forms M59fs.
Identifiers: ClinVar variation 1725061 (VCV001725061.2), dbSNP rs2539236798, ClinGen allele CA2580084826.

ClinVar aggregate classification (germline): Likely pathogenic (1 of 4 stars; one submission).

Conditions:
Smith-Lemli-Opitz syndrome (SLOS). Also called: LETHAL ACRODYSGENITAL SYNDROME; POLYDACTYLY, SEX REVERSAL, RENAL HYPOPLASIA, AND UNILOBAR LUNG; RSH SYNDROME; RUTLEDGE LETHAL MULTIPLE CONGENITAL ANOMALY SYNDROME; 7-Dehydrocholesterol reductase deficiency. Identifiers: Orphanet 818, MedGen C0175694, MONDO:0010035, OMIM 270400.

Submission:

Myriad Genetics, Inc.
Classification: Likely pathogenic for Smith-Lemli-Opitz syndrome. Last evaluated: 2022-03-06. Review status: criteria provided, single submitter. Criteria: Myriad Women's Health Autosomal Recessive and X-Linked Classification Criteria (2021). Collection method: clinical testing. Allele origin: unknown.
Comment: NM_001360.2(DHCR7):c.177_178delGGinsT(M59Ifs*10) is expected to be pathogenic in the context of Smith-Lemli-Opitz syndrome. This variant is predicted to lead to an abnormal or absent protein product due to the creation of a premature termination codon in DHCR7, a gene where loss-of-function variants are known to be pathogenic. Please note: this variant was assessed in the context of healthy population screening.